The following is an entry in ClinVar:

ClinVar aggregate classification (germline): Uncertain significance (1 of 4 stars; one submission).

Conditions:
Neurofibromatosis, type 1 (NF1). Also called: NEUROFIBROMATOSIS, TYPE I, SOMATIC; Neurofibromatosis, type I; VON RECKLINGHAUSEN DISEASE; Peripheral type neurofibromatosis. Identifiers: Orphanet 636, MedGen C0027831, MONDO:0018975, OMIM 162200. Disease mechanism: loss of function.

Submission:

Labcorp Genetics (formerly Invitae), Labcorp
Classification: Uncertain significance for Neurofibromatosis, type 1. Last evaluated: 2024-09-23. Review status: criteria provided, single submitter. Criteria: Invitae Variant Classification Sherloc (09022015). Collection method: clinical testing. Allele origin: germline.
Comment: This sequence change replaces asparagine, which is neutral and polar, with aspartic acid, which is acidic and polar, at codon 339 of the NF1 protein (p.Asn339Asp). This variant is not present in population databases (gnomAD no frequency). This variant has not been reported in the literature in individuals affected with NF1-related conditions. Invitae Evidence Modeling of protein sequence and biophysical properties (such as structural, functional, and spatial information, amino acid conservation, physicochemical variation, residue mobility, and thermodynamic stability) indicates that this missense variant is not expected to disrupt NF1 protein function with a negative predictive value of 95%. In summary, the available evidence is currently insufficient to determine the role of this variant in disease. Therefore, it has been classified as a Variant of Uncertain Significance.

NM_001042492.3(NF1):c.1015A>G (p.Asn339Asp)

Gene: NF1 (neurofibromin 1; plus strand). Cytogenetic location: 17q11.2.
Variant type: single nucleotide variant.
Coding change: c.1015A>G on transcript NM_001042492.3 (MANE Select); coding-DNA position 1015, A replaced by G.
Protein change: p.Asn339Asp; replaces asparagine 339 with aspartic acid.
Molecular consequence: missense variant.
Genome position (GRCh38, 1-based): chr17:31,200,548, A>G. VCF-style: chr17-31200548-A-G. GRCh37 (hg19) VCF-style: chr17-29527566-A-G.
Other names: c.1015A>G, p.Asn339Asp (NM_000267.4, NM_001128147.3); short protein forms N339D.
Identifiers: ClinVar variation 3706401 (VCV003706401.2).